The following is an entry in ClinVar:

ClinVar aggregate classification (germline): Likely benign. Review status: criteria provided, multiple submitters, no conflicts (2 of 4 stars). 5 submissions from 5 submitters: Likely benign (5). Last evaluated 2026-05-19.

Conditions:
Dilated cardiomyopathy 1G (CMD1G). Identifiers: Orphanet 154, MedGen C1858763, MONDO:0011400, OMIM 604145.
Autosomal recessive limb-girdle muscular dystrophy type 2J (LGMDR10). Also called: MUSCULAR DYSTROPHY, LIMB-GIRDLE, AUTOSOMAL RECESSIVE 10; Limb-girdle muscular dystrophy, type 2J. Identifiers: Orphanet 140922, MedGen C1837342, MONDO:0012127, OMIM 608807.
TTN-related disorder. Also called: TTN-related condition; TTN-related disease; TTN-related disorders.

Allele frequency attached by ClinVar (database versions not stated): gnomAD 0.00001; TOPMed 0.00001; gnomAD exomes 0.00002 and 0.00004; ExAC 0.00007; ESP Exome Variant Server 0.00008.
gnomAD v4.1: 26 of 1,598,832 alleles (0.0016%); highest among the groups gnomAD compares: South Asian, 0.0046%; no homozygotes.

Submissions (5):

PreventionGenetics, part of Exact Sciences
Classification: Likely benign for TTN-related condition. Last evaluated: 2026-05-19. Review status: criteria provided, single submitter. Criteria: ACMG Guidelines, 2015. Collection method: clinical testing. Allele origin: germline.
Comment: This variant is classified as likely benign based on ACMG/AMP sequence variant interpretation guidelines (Richards et al. 2015 PMID: 25741868, with internal and published modifications).

Blueprint Genetics
Classification: Likely benign. Last evaluated: 2024-07-29. Review status: criteria provided, single submitter. Criteria: ACMG Guidelines, 2015. Collection method: clinical testing. Allele origin: germline.

Labcorp Genetics (formerly Invitae), Labcorp
Classification: Likely benign for Dilated cardiomyopathy 1G; Autosomal recessive limb-girdle muscular dystrophy type 2J. Last evaluated: 2024-06-12. Review status: criteria provided, single submitter. Criteria: Invitae Variant Classification Sherloc (09022015). Collection method: clinical testing. Allele origin: germline.

CeGaT Center for Human Genetics Tuebingen
Classification: Likely benign. Last evaluated: 2019-11-01. Review status: criteria provided, single submitter. Criteria: CeGaT Center For Human Genetics Tuebingen Variant Classification Criteria Version 2. Collection method: clinical testing. Allele origin: germline. Affected: yes. Observed: 1 variant allele.

GeneDx
Classification: Likely benign. Last evaluated: 2017-03-24. Review status: criteria provided, single submitter. Criteria: GeneDx Variant Classification (06012015). Collection method: clinical testing. Allele origin: germline. Affected: yes.
Comment: This variant is considered likely benign or benign based on one or more of the following criteria: it is a conservative change, it occurs at a poorly conserved position in the protein, it is predicted to be benign by multiple in silico algorithms, and/or has population frequency not consistent with disease.

NM_001267550.2(TTN):c.33111C>T (p.Ile11037=)

Gene: TTN (titin; minus strand). Cytogenetic location: 2q31.2.
Variant type: single nucleotide variant.
Coding change: c.33111C>T on transcript NM_001267550.2 (MANE Select); coding-DNA position 33111, C replaced by T.
Protein change: p.Ile11037=; no amino-acid change (isoleucine 11037 retained).
Molecular consequence: synonymous variant. On other transcripts: intron variant (3).
Genome position (GRCh38, 1-based): chr2:178,681,722, G>A on the plus strand (C>T on the coding strand, the complement: TTN is on the minus strand). VCF-style: chr2-178681722-G-A. GRCh37 (hg19) VCF-style: chr2-179546449-G-A.
Other names: c.32160C>T, p.Ile10720= (NM_001256850.1); c.29379C>T, p.Ile9793= (NM_133378.4); c.13283-39405C>T (NM_003319.4); c.13859-39405C>T (NM_133437.4); c.13658-39405C>T (NM_133432.3).
Identifiers: ClinVar variation 511936 (VCV000511936.51), dbSNP rs374779534, ClinGen allele CA1998451.